The following is an entry in ClinVar:

ClinVar aggregate classification (germline): Pathogenic (1 of 4 stars; one submission).

Conditions:
Multiple congenital exostosis (EXT). Also called: Multiple exostoses; Hereditary multiple exostoses; Hereditary multiple exostosis; MULTIPLE CARTILAGINOUS EXOSTOSES; Hereditary multiple osteochondromas; Multiple osteochondromas. Identifiers: Orphanet 321, MedGen C0015306, MONDO:0005508, HP:0002762.

Submission:

Labcorp Genetics (formerly Invitae), Labcorp
Classification: Pathogenic for Multiple congenital exostosis. Last evaluated: 2022-03-14. Review status: criteria provided, single submitter. Criteria: Invitae Variant Classification Sherloc (09022015). Collection method: clinical testing. Allele origin: germline.
Comment: This variant is not present in population databases (gnomAD no frequency). This sequence change creates a premature translational stop signal (p.Lys218Valfs*30) in the EXT1 gene. It is expected to result in an absent or disrupted protein product. Loss-of-function variants in EXT1 are known to be pathogenic (PMID: 10679937, 11391482, 19810120). This premature translational stop signal has been observed in individual(s) with clinical features of hereditary multiple osteochondromatosis (Invitae). ClinVar contains an entry for this variant (Variation ID: 526303). For these reasons, this variant has been classified as Pathogenic.

Literature cited by the submitters: PubMed 10679937; PubMed 11391482; PubMed 19810120.

NM_000127.3(EXT1):c.651_663del (p.Lys218fs)

Gene: EXT1 (exostosin glycosyltransferase 1; minus strand). Cytogenetic location: 8q24.11.
Variant type: Deletion.
Coding change: c.651_663del on transcript NM_000127.3 (MANE Select); coding-DNA positions 651 to 663, 13 bases deleted (CAAAGCCAGCATC).
Protein change: p.Lys218fs; shifts the reading frame from lysine 218.
Molecular consequence: frameshift variant.
Genome position (GRCh38, 1-based): chr8:118,110,384-118,110,396, GATGCTGGCTTTG deleted on the plus strand (CAAAGCCAGCATC on the coding strand, the reverse complement: EXT1 is on the minus strand); deleting any 13 consecutive bases within chr8:118,110,384-118,110,397 gives the same sequence; the c. name uses the placement nearest the transcript's 3' end. VCF-style (leftmost placement, unchanged base first): chr8-118110383-TGATGCTGGCTTTG-T. GRCh37 (hg19) VCF-style: chr8-119122622-TGATGCTGGCTTTG-T.
Other names: c.651_663delCAAAGCCAGCATC (NM_000127.2); short protein forms K218fs.
Identifiers: ClinVar variation 526303 (VCV000526303.10), dbSNP rs1554601504, ClinGen allele CA658797140.